The following is an entry in ClinVar:

ClinVar aggregate classification (germline): Uncertain significance (1 of 4 stars; one submission).

Allele frequency attached by ClinVar (database versions not stated): ExAC 0.00001; gnomAD 0.00001.
gnomAD v4.1: 1 of 1,587,626 alleles (0.000063%); highest among the groups gnomAD compares: African/African-American, 0.0014%; no homozygotes.

Submission:

Labcorp Genetics (formerly Invitae), Labcorp
Classification: Uncertain significance. Last evaluated: 2021-02-07. Review status: criteria provided, single submitter. Criteria: Invitae Variant Classification Sherloc (09022015). Collection method: clinical testing. Allele origin: germline.
Comment: This sequence change replaces asparagine with threonine at codon 67 of the ERBIN protein (p.Asn67Thr). The asparagine residue is highly conserved and there is a small physicochemical difference between asparagine and threonine. This variant is present in population databases (rs762632075, ExAC 0.01%). This variant has not been reported in the literature in individuals with ERBIN-related conditions. Algorithms developed to predict the effect of missense changes on protein structure and function are either unavailable or do not agree on the potential impact of this missense change (SIFT: "Deleterious"; PolyPhen-2: "Probably Damaging"; Align-GVGD: "Class C0"). In summary, the available evidence is currently insufficient to determine the role of this variant in disease. Therefore, it has been classified as a Variant of Uncertain Significance.

NM_001253697.2(ERBIN):c.200A>C (p.Asn67Thr)

Gene: ERBIN (erbb2 interacting protein; plus strand). Cytogenetic location: 5q12.3.
Variant type: single nucleotide variant.
Coding change: c.200A>C on transcript NM_001253697.2 (MANE Select); coding-DNA position 200, A replaced by C.
Protein change: p.Asn67Thr; replaces asparagine 67 with threonine.
Molecular consequence: missense variant.
Genome position (GRCh38, 1-based): chr5:65,994,757, A>C. VCF-style: chr5-65994757-A-C. GRCh37 (hg19) VCF-style: chr5-65290585-A-C.
Other names: c.200A>C, p.Asn67Thr (NM_001006600.3, NM_001253698.2, NM_001253699.2 and 2 more transcripts); short protein forms N67T.
Identifiers: ClinVar variation 1508267 (VCV001508267.8), dbSNP rs762632075, ClinGen allele CA3285848.